The following is an entry in ClinVar:

ClinVar aggregate classification (germline): Uncertain significance (1 of 4 stars; one submission).

Submission:

Labcorp Genetics (formerly Invitae), Labcorp
Classification: Uncertain significance. Last evaluated: 2022-02-25. Review status: criteria provided, single submitter. Criteria: Invitae Variant Classification Sherloc (09022015). Collection method: clinical testing. Allele origin: germline.
Comment: In summary, the available evidence is currently insufficient to determine the role of this variant in disease. Therefore, it has been classified as a Variant of Uncertain Significance. Algorithms developed to predict the effect of missense changes on protein structure and function output the following: SIFT: "Tolerated"; PolyPhen-2: "Benign"; Align-GVGD: "Class C0". The glycine amino acid residue is found in multiple mammalian species, which suggests that this missense change does not adversely affect protein function. This variant has not been reported in the literature in individuals affected with MCM3AP-related conditions. This variant is not present in population databases (gnomAD no frequency). This sequence change replaces alanine, which is neutral and non-polar, with glycine, which is neutral and non-polar, at codon 202 of the MCM3AP protein (p.Ala202Gly).

NM_003906.5(MCM3AP):c.605C>G (p.Ala202Gly)

Gene: MCM3AP (minichromosome maintenance complex component 3 associated protein; minus strand). Cytogenetic location: 21q22.3.
Variant type: single nucleotide variant.
Coding change: c.605C>G on transcript NM_003906.5 (MANE Select); coding-DNA position 605, C replaced by G.
Protein change: p.Ala202Gly; replaces alanine 202 with glycine.
Molecular consequence: missense variant.
Genome position (GRCh38, 1-based): chr21:46,284,682, G>C on the plus strand (C>G on the coding strand, the complement: MCM3AP is on the minus strand). VCF-style: chr21-46284682-G-C. GRCh37 (hg19) VCF-style: chr21-47704596-G-C.
Other names: short protein forms A202G.
Identifiers: ClinVar variation 2096977 (VCV002096977.4), dbSNP rs769652381, ClinGen allele CA410536015.